The following is an entry in ClinVar:

ClinVar aggregate classification (germline): Uncertain significance (1 of 4 stars; one submission).

Allele frequency attached by ClinVar (database versions not stated): TOPMed below 0.00001; gnomAD exomes 0.00001; ExAC 0.00005.
gnomAD v4.1: 8 of 1,586,564 alleles (0.0005%); highest among the groups gnomAD compares: South Asian, 0.0011%; no homozygotes.

Submission:

Labcorp Genetics (formerly Invitae), Labcorp
Classification: Uncertain significance. Last evaluated: 2023-04-18. Review status: criteria provided, single submitter. Criteria: Invitae Variant Classification Sherloc (09022015). Collection method: clinical testing. Allele origin: germline.
Comment: This variant has not been reported in the literature in individuals affected with ASAH1-related conditions. The frequency data for this variant in the population databases is considered unreliable, as metrics indicate poor data quality at this position in the gnomAD database. This sequence change replaces tyrosine, which is neutral and polar, with histidine, which is basic and polar, at codon 233 of the ASAH1 protein (p.Tyr233His). Advanced modeling of protein sequence and biophysical properties (such as structural, functional, and spatial information, amino acid conservation, physicochemical variation, residue mobility, and thermodynamic stability) performed at Invitae indicates that this missense variant is expected to disrupt ASAH1 protein function. In summary, the available evidence is currently insufficient to determine the role of this variant in disease. Therefore, it has been classified as a Variant of Uncertain Significance.

NM_177924.5(ASAH1):c.697T>C (p.Tyr233His)

Gene: ASAH1 (N-acylsphingosine amidohydrolase 1; minus strand). Cytogenetic location: 8p22.
Variant type: single nucleotide variant.
Coding change: c.697T>C on transcript NM_177924.5 (MANE Select); coding-DNA position 697, T replaced by C.
Protein change: p.Tyr233His; replaces tyrosine 233 with histidine.
Molecular consequence: missense variant.
Genome position (GRCh38, 1-based): chr8:18,061,692, A>G on the plus strand (T>C on the coding strand, the complement: ASAH1 is on the minus strand). VCF-style: chr8-18061692-A-G. GRCh37 (hg19) VCF-style: chr8-17919201-A-G.
Other names: c.679T>C, p.Tyr227His (NM_001127505.3); c.502T>C, p.Tyr168His (NM_001363743.2); c.745T>C, p.Tyr249His (NM_004315.6); short protein forms Y168H, Y233H, Y249H, Y227H.
Identifiers: ClinVar variation 2890679 (VCV002890679.3), dbSNP rs751164282, ClinGen allele CA4650725.